The following is an entry in ClinVar:

ClinVar aggregate classification (germline): Benign/Likely benign. Review status: criteria provided, multiple submitters, no conflicts (2 of 4 stars). 9 submissions from 9 submitters: Benign (3); Likely benign (5). 1 of the submissions does not count toward it. Last evaluated 2026-01-26.

Conditions:
Pheochromocytoma. Also called: MAX-Related Hereditary Paraganglioma-Pheochromocytoma Syndrome. Identifiers: Orphanet 29072, MedGen C0031511, MONDO:0008233, OMIM 171300, HP:0002666.
Hirschsprung disease, susceptibility to, 1 (HSCR1). Also called: RET-Related Hirschsprung Disease. Identifiers: Orphanet 388, MedGen C3888239, MONDO:0007723, OMIM 142623.
Familial medullary thyroid carcinoma (MTC). Also called: Thyroid cancer, familial medullary; MTC, familial; Familial Medullary Thyroid Carcinoma (FMTC). Identifiers: Orphanet 653, Orphanet 99361, MedGen C1833921, MONDO:0007958, OMIM 155240.
Multiple endocrine neoplasia type 2B. Also called: WAGENMANN-FROBOESE SYNDROME; MULTIPLE ENDOCRINE NEOPLASIA, TYPE III; MEN 2B; MUCOSAL NEUROMA SYNDROME; MULTIPLE ENDOCRINE NEOPLASIA, TYPE IIB; MEN IIB. Identifiers: Orphanet 247709, Orphanet 653, MedGen C0025269, MeSH D018814, MONDO:0008082, OMIM 162300.
Multiple endocrine neoplasia type 2A. Also called: MULTIPLE ENDOCRINE NEOPLASIA, TYPE IIA; PTC SYNDROME; SIPPLE SYNDROME; MEN 2A; MEN-2A syndrome; Pheochromocytoma and amyloid producing medullary thyroid carcinoma. Identifiers: Orphanet 247698, Orphanet 653, MedGen C0025268, MeSH D018813, MONDO:0008234, OMIM 171400.
RET-related disorder. Also called: RET-related disorders; RET-related condition; RET-related disease.
Hereditary cancer-predisposing syndrome. Also called: Tumor predisposition; Hereditary neoplastic syndrome; Neoplastic Syndromes, Hereditary; Hereditary Cancer Syndrome. Identifiers: Orphanet 140162, MedGen C0027672, MeSH D009386, MONDO:0015356.
Multiple endocrine neoplasia, type 2 (MEN2). Identifiers: Orphanet 653, MedGen C4048306, MONDO:0019003. Disease mechanism: gain of function.

Allele frequency attached by ClinVar (database versions not stated): gnomAD exomes 0.00004 and 0.00010; ExAC 0.00014; ESP Exome Variant Server 0.00015; gnomAD 0.00029 and 0.00031; TOPMed 0.00048.
gnomAD v4.1: 104 of 1,613,446 alleles (0.0064%); highest among the groups gnomAD compares: African/African-American, 0.089%; 1 homozygote.

Submissions (9):

Labcorp Genetics (formerly Invitae), Labcorp
Classification: Benign for Multiple endocrine neoplasia, type 2. Last evaluated: 2026-01-26. Review status: criteria provided, single submitter. Criteria: Invitae Variant Classification Sherloc (09022015). Collection method: clinical testing. Allele origin: germline.

Myriad Genetics, Inc.
Classification: Benign for Multiple endocrine neoplasia type 2A. Last evaluated: 2025-02-25. Review status: criteria provided, single submitter. Criteria: Myriad Autosomal Dominant, Autosomal Recessive and X-Linked Classification Criteria (2023). Collection method: clinical testing. Allele origin: unknown.
Comment: This variant is considered benign. This variant is a silent/synonymous amino acid change and it is not expected to impact splicing.

Blueprint Genetics
Classification: Likely benign. Last evaluated: 2024-07-11. Review status: criteria provided, single submitter. Criteria: ACMG Guidelines, 2015. Collection method: clinical testing. Allele origin: germline.

Color Diagnostics, LLC DBA Color Health
Classification: Likely benign for Multiple endocrine neoplasia, type 2. Last evaluated: 2022-11-06. Review status: criteria provided, single submitter. Criteria: ACMG Guidelines, 2015. Collection method: clinical testing. Allele origin: germline.

Fulgent Genetics
Classification: Likely benign for Hirschsprung disease, susceptibility to, 1; Familial medullary thyroid carcinoma; Multiple endocrine neoplasia type 2B; Pheochromocytoma; Multiple endocrine neoplasia type 2A. Last evaluated: 2022-05-19. Review status: criteria provided, single submitter. Criteria: ACMG Guidelines, 2015. Collection method: clinical testing. Allele origin: unknown.

Sema4
Classification: Likely benign for Hereditary cancer-predisposing syndrome. Last evaluated: 2021-07-13. Review status: criteria provided, single submitter. Criteria: Sema4 Curation Guidelines. Collection method: curation. Allele origin: germline.

ARUP Laboratories, Molecular Genetics and Genomics, ARUP Laboratories
Classification: Benign. Last evaluated: 2020-07-10. Review status: criteria provided, single submitter. Criteria: ARUP Molecular Germline Variant Investigation Process. Collection method: clinical testing. Allele origin: germline.

Ambry Genetics
Classification: Likely benign for Hereditary cancer-predisposing syndrome. Last evaluated: 2016-06-27. Review status: criteria provided, single submitter. Criteria: Ambry Variant Classification Scheme 2023. Collection method: clinical testing. Allele origin: germline.

PreventionGenetics, part of Exact Sciences
Classification: Likely benign for RET-related condition. Last evaluated: 2019-07-03. Review status: no assertion criteria provided. Collection method: clinical testing. Allele origin: germline. Not counted in ClinVar's aggregate classification.
Comment: This variant is classified as likely benign based on ACMG/AMP sequence variant interpretation guidelines (Richards et al. 2015 PMID: 25741868, with internal and published modifications).

NM_020975.6(RET):c.1050C>T (p.Thr350=)

Gene: RET (ret proto-oncogene; plus strand). Cytogenetic location: 10q11.21.
Variant type: single nucleotide variant.
Coding change: c.1050C>T on transcript NM_020975.6 (MANE Select); coding-DNA position 1050, C replaced by T.
Protein change: p.Thr350=; no amino-acid change (threonine 350 retained).
Molecular consequence: synonymous variant. On other transcripts: intron variant (25).
Genome position (GRCh38, 1-based): chr10:43,106,558, C>T. VCF-style: chr10-43106558-C-T. GRCh37 (hg19) VCF-style: chr10-43602006-C-T.
Other names: c.1050C>T, p.Thr350= (NM_000323.2, NM_001406743.1, NM_001406744.1 and 6 more transcripts); c.288C>T, p.Thr96= (NM_001355216.2); c.921C>T, p.Thr307= (NM_001406761.1, NM_001406762.1, NM_001406764.1 and 1 more transcripts); c.762C>T, p.Thr254= (NM_001406766.1, NM_001406767.1, NM_001406770.1); c.867+1365C>T (NM_001406772.1, NM_001406769.1); c.626-2473C>T (NM_001406773.1, NM_001406771.1); c.625+3929C>T (NM_001406782.1, NM_001406780.1, NM_001406779.1 and 3 more transcripts); c.738+1365C>T (NM_001406774.1); and 5 more.
Identifiers: ClinVar variation 241332 (VCV000241332.65), dbSNP rs142188675, ClinGen allele CA030900.